The following is an entry in ClinVar:

NM_021098.3(CACNA1H):c.4505C>G (p.Ser1502Cys)

Gene: CACNA1H (calcium voltage-gated channel subunit alpha1 H; plus strand). Cytogenetic location: 16p13.3.
Variant type: single nucleotide variant.
Coding change: c.4505C>G on transcript NM_021098.3 (MANE Select); coding-DNA position 4505, C replaced by G.
Protein change: p.Ser1502Cys; replaces serine 1502 with cysteine.
Molecular consequence: missense variant.
Genome position (GRCh38, 1-based): chr16:1,211,744, C>G. VCF-style: chr16-1211744-C-G. GRCh37 (hg19) VCF-style: chr16-1261744-C-G.
Other names: c.4505C>G, p.Ser1502Cys (NM_001005407.2); short protein forms S1502C.
Identifiers: ClinVar variation 1002288 (VCV001002288.8), dbSNP rs1969476340, ClinGen allele CA394180235.

ClinVar aggregate classification (germline): Uncertain significance (1 of 4 stars; one submission).

Conditions:
Idiopathic generalized epilepsy. Also called: Generalised epilepsy; EIG. Identifiers: MedGen C0270850, MONDO:0005579, OMIM 600669.
Hyperaldosteronism, familial, type IV (HALD4). Also called: FH IV; ALDOSTERONISM, PRIMARY, AND HYPERTENSION. Identifiers: Orphanet 642671, MedGen C4310756, MONDO:0014875, OMIM 617027.

Submission:

Labcorp Genetics (formerly Invitae), Labcorp
Classification: Uncertain significance for Idiopathic generalized epilepsy; Hyperaldosteronism, familial, type IV. Last evaluated: 2021-02-24. Review status: criteria provided, single submitter. Criteria: Invitae Variant Classification Sherloc (09022015). Collection method: clinical testing. Allele origin: germline.
Comment: This sequence change replaces serine with cysteine at codon 1502 of the CACNA1H protein (p.Ser1502Cys). The serine residue is highly conserved and there is a moderate physicochemical difference between serine and cysteine. This variant is not present in population databases (ExAC no frequency). This variant has not been reported in the literature in individuals with CACNA1H-related conditions. Advanced modeling of protein sequence and biophysical properties (such as structural, functional, and spatial information, amino acid conservation, physicochemical variation, residue mobility, and thermodynamic stability) performed at Invitae indicates that this missense variant is not expected to disrupt CACNA1H protein function. In summary, the available evidence is currently insufficient to determine the role of this variant in disease. Therefore, it has been classified as a Variant of Uncertain Significance.